The following is an entry in ClinVar:

ClinVar aggregate classification (germline): Uncertain significance. Review status: criteria provided, multiple submitters, no conflicts (2 of 4 stars). 2 submissions from 2 submitters: Uncertain significance (2). Last evaluated 2025-08-07.

Conditions:
BDP1-related disorder. Also called: BDP1-related condition.

gnomAD v4.1: 35 of 1,613,806 alleles (0.0022%); highest among the groups gnomAD compares: Non-Finnish European, 0.0028%; no homozygotes.

Submissions (2):

PreventionGenetics, part of Exact Sciences
Classification: Uncertain significance for BDP1-related condition. Last evaluated: 2025-08-07. Review status: criteria provided, single submitter. Criteria: ACMG Guidelines, 2015. Collection method: clinical testing. Allele origin: germline.
Comment: The BDP1 c.3476G>A variant is predicted to result in the amino acid substitution p.Gly1159Asp. To our knowledge, this variant has not been reported in the literature. This variant is reported in 0.0041% of alleles in individuals of African descent in gnomAD. At this time, the clinical significance of this variant is uncertain due to the absence of conclusive functional and genetic evidence.

Ambry Genetics
Classification: Uncertain significance. Last evaluated: 2024-10-01. Review status: criteria provided, single submitter. Criteria: Ambry Variant Classification Scheme 2023. Collection method: clinical testing. Allele origin: germline.

NM_018429.3(BDP1):c.3476G>A (p.Gly1159Asp)

Gene: BDP1 (BDP1 general transcription factor IIIB subunit; plus strand). Cytogenetic location: 5q13.2.
Variant type: single nucleotide variant.
Coding change: c.3476G>A on transcript NM_018429.3 (MANE Select); coding-DNA position 3476, G replaced by A.
Protein change: p.Gly1159Asp; replaces glycine 1159 with aspartic acid.
Molecular consequence: missense variant.
Genome position (GRCh38, 1-based): chr5:71,510,568, G>A. VCF-style: chr5-71510568-G-A. GRCh37 (hg19) VCF-style: chr5-70806395-G-A.
Other names: short protein forms G1159D.
Identifiers: ClinVar variation 3480367 (VCV003480367.2).